The following is an entry in ClinVar:

NC_000019.9:g.(?_17986741)_(17994875_?)dup

Gene: SLC5A5 (solute carrier family 5 member 5; plus strand). Cytogenetic location: 19p13.11.
Variant type: Duplication.
Identifiers: ClinVar variation 3242652 (VCV003242652.1).

ClinVar aggregate classification (germline): Likely pathogenic (1 of 4 stars; one submission).

Submission:

Labcorp Genetics (formerly Invitae), Labcorp
Classification: Likely pathogenic. Last evaluated: 2023-04-04. Review status: criteria provided, single submitter. Criteria: Invitae Variant Classification Sherloc (09022015). Collection method: clinical testing. Allele origin: unknown.
Comment: In summary, the currently available evidence indicates that the variant is pathogenic, but additional data are needed to prove that conclusively. Therefore, this variant has been classified as Likely Pathogenic. This variant has not been reported in the literature in individuals affected with SLC5A5-related conditions. This variant results in a copy number gain of the genomic region encompassing exon(s) 5-12 of the SLC5A5 gene. While the exact position of this variant cannot be determined from the data, sub-genic copy number gains are generally in tandem (PMID: 25640679). This variant is predicted to be out-of-frame, and may result in an absent or disrupted protein product. Loss-of-function variants in SLC5A5 are known to be pathogenic (PMID: 9388506, 9486973).

Literature cited by the submitters: PubMed 25640679; PubMed 9388506; PubMed 9486973.